The following is an entry in ClinVar:

NM_015450.3(POT1):c.1793-3T>G

Gene: POT1 (protection of telomeres 1; minus strand). Cytogenetic location: 7q31.33.
Variant type: single nucleotide variant.
Coding change: c.1793-3T>G on transcript NM_015450.3 (MANE Select); 3 bases into the intron before coding-DNA position 1793, T replaced by G.
Molecular consequence: intron variant.
Genome position (GRCh38, 1-based): chr7:124,824,077, A>C on the plus strand (T>G on the coding strand, the complement: POT1 is on the minus strand). VCF-style: chr7-124824077-A-C. GRCh37 (hg19) VCF-style: chr7-124464131-A-C.
Other names: c.1400-3T>G (NM_001042594.2).
Identifiers: ClinVar variation 1442033 (VCV001442033.6), dbSNP rs2116403760, ClinGen allele CA2573141655.

ClinVar aggregate classification (germline): Uncertain significance (1 of 4 stars; one submission).

Conditions:
Tumor predisposition syndrome 3 (TPDS3). Also called: LONG TELOMERE SYNDROME, POT1-RELATED; POT1 Tumor Predisposition; Glioma susceptibility 9; Melanoma, cutaneous malignant, susceptibility to, 10. Identifiers: Orphanet 618, MedGen C4014476, MONDO:0014368, OMIM 615848.

Submission:

Labcorp Genetics (formerly Invitae), Labcorp
Classification: Uncertain significance for Tumor predisposition syndrome 3. Last evaluated: 2021-10-10. Review status: criteria provided, single submitter. Criteria: Invitae Variant Classification Sherloc (09022015). Collection method: clinical testing. Allele origin: germline.
Comment: In summary, the available evidence is currently insufficient to determine the role of this variant in disease. Therefore, it has been classified as a Variant of Uncertain Significance. Variants that disrupt the consensus splice site are a relatively common cause of aberrant splicing (PMID: 17576681, 9536098). Algorithms developed to predict the effect of sequence changes on RNA splicing suggest that this variant may disrupt the consensus splice site. This variant has not been reported in the literature in individuals affected with POT1-related conditions. This variant is not present in population databases (ExAC no frequency). This sequence change falls in intron 18 of the POT1 gene. It does not directly change the encoded amino acid sequence of the POT1 protein. It affects a nucleotide within the consensus splice site.

Literature cited by the submitters: PubMed 17576681; PubMed 9536098.